The following is an entry in ClinVar:

NM_001394062.1(MACF1):c.3859G>A (p.Glu1287Lys)

Gene: MACF1 (microtubule actin crosslinking factor 1; plus strand). Cytogenetic location: 1p34.3.
Variant type: single nucleotide variant.
Coding change: c.3859G>A on transcript NM_001394062.1 (MANE Select); coding-DNA position 3859, G replaced by A.
Protein change: p.Glu1287Lys; replaces glutamic acid 1287 with lysine.
Molecular consequence: missense variant.
Genome position (GRCh38, 1-based): chr1:39,318,529, G>A. VCF-style: chr1-39318529-G-A. GRCh37 (hg19) VCF-style: chr1-39784201-G-A.
Other names: c.3874G>A, p.Glu1292Lys (NM_012090.5); short protein forms E1287K, E1292K.
Identifiers: ClinVar variation 2446523 (VCV002446523.1), dbSNP rs2521845928, ClinGen allele CA339788034.

ClinVar aggregate classification (germline): Uncertain significance (1 of 4 stars; one submission).

Submission:

GeneDx
Classification: Uncertain significance. Last evaluated: 2022-10-03. Review status: criteria provided, single submitter. Criteria: GeneDx Variant Classification Process June 2021. Collection method: clinical testing. Allele origin: germline. Affected: yes.
Comment: Not observed at significant frequency in large population cohorts (gnomAD); In silico analysis supports that this missense variant has a deleterious effect on protein structure/function; Has not been previously published as pathogenic or benign to our knowledge